The following is an entry in ClinVar:

NM_006939.4(SOS2):c.2236G>A (p.Val746Ile)

Gene: SOS2 (SOS Ras/Rho guanine nucleotide exchange factor 2; minus strand). Cytogenetic location: 14q21.3.
Variant type: single nucleotide variant.
Coding change: c.2236G>A on transcript NM_006939.4 (MANE Select); coding-DNA position 2236, G replaced by A.
Protein change: p.Val746Ile; replaces valine 746 with isoleucine.
Molecular consequence: missense variant.
Genome position (GRCh38, 1-based): chr14:50,150,156, C>T on the plus strand (G>A on the coding strand, the complement: SOS2 is on the minus strand). VCF-style: chr14-50150156-C-T. GRCh37 (hg19) VCF-style: chr14-50616874-C-T.
Other names: c.2137G>A, p.Val713Ile (NM_001411020.1); c.2236G>A (NM_006939.2); short protein forms V746I, V713I.
Identifiers: ClinVar variation 2082227 (VCV002082227.9), dbSNP rs955430620, ClinGen allele CA260729908.

ClinVar aggregate classification (germline): Conflicting classifications of pathogenicity. Review status: criteria provided, conflicting classifications (1 of 4 stars). 3 submissions from 3 submitters: Uncertain significance (2); Likely benign (1). Last evaluated 2026-03-01.

Conditions:
Cardiovascular phenotype. Identifiers: MedGen CN230736.
Noonan syndrome 9 (NS9). Identifiers: Orphanet 648, MedGen C4225282, MONDO:0014691, OMIM 616559.

Allele frequency attached by ClinVar (database versions not stated): gnomAD exomes below 0.00001.
gnomAD v4.1: 4 of 1,613,394 alleles (0.00025%); highest among the groups gnomAD compares: Non-Finnish European, 0.00034%; no homozygotes.

Submissions (3):

CeGaT Center for Human Genetics Tuebingen
Classification: Uncertain significance. Last evaluated: 2026-03-01. Review status: criteria provided, single submitter. Criteria: CeGaT Center For Human Genetics Tuebingen Variant Classification Criteria Version 2. Collection method: clinical testing. Allele origin: germline. Affected: yes. Observed: 1 variant allele.
Comment: SOS2: PM2, BP4

Labcorp Genetics (formerly Invitae), Labcorp
Classification: Uncertain significance for Noonan syndrome 9. Last evaluated: 2025-09-02. Review status: criteria provided, single submitter. Criteria: Invitae Variant Classification Sherloc (09022015). Collection method: clinical testing. Allele origin: germline.
Comment: This sequence change replaces valine, which is neutral and non-polar, with isoleucine, which is neutral and non-polar, at codon 746 of the SOS2 protein (p.Val746Ile). This variant is not present in population databases (gnomAD no frequency). This variant has not been reported in the literature in individuals affected with SOS2-related conditions. ClinVar contains an entry for this variant (Variation ID: 2082227). Invitae Evidence Modeling of protein sequence and biophysical properties (such as structural, functional, and spatial information, amino acid conservation, physicochemical variation, residue mobility, and thermodynamic stability) indicates that this missense variant is not expected to disrupt SOS2 protein function with a negative predictive value of 95%. In summary, the available evidence is currently insufficient to determine the role of this variant in disease. Therefore, it has been classified as a Variant of Uncertain Significance.

Ambry Genetics
Classification: Likely benign for Cardiovascular phenotype. Last evaluated: 2025-03-06. Review status: criteria provided, single submitter. Criteria: Ambry Variant Classification Scheme 2023. Collection method: clinical testing. Allele origin: germline.